The following is an entry in ClinVar:

ClinVar aggregate classification (germline): Conflicting classifications of pathogenicity. Review status: criteria provided, conflicting classifications (1 of 4 stars). 5 submissions from 5 submitters: Pathogenic (1); Likely pathogenic (3); Uncertain significance (1). Last evaluated 2026-04-15.

Conditions:
Retinitis pigmentosa 12 (RP12). Also called: RP WITH OR WITHOUT PPRPE; RP WITH OR WITHOUT PRESERVED PARAARTERIOLE RETINAL PIGMENT EPITHELIUM; RETINITIS PIGMENTOSA WITH OR WITHOUT PARAARTERIOLAR PRESERVATION OF RETINAL PIGMENT EPITHELIUM. Identifiers: Orphanet 791, MedGen C1838647, MONDO:0010818, OMIM 600105.
Leber congenital amaurosis 8 (LCA8). Identifiers: Orphanet 65, MedGen C3151202, MONDO:0013453, OMIM 613835.
Retinal dystrophy. Also called: Inherited retinal dystrophy. Identifiers: Orphanet 71862, MedGen C0854723, MeSH D058499, MONDO:0019118, HP:0000556.

Submissions (5):

Women's Health and Genetics/Laboratory Corporation of America, LabCorp
Classification: Likely pathogenic for Retinal dystrophy. Last evaluated: 2026-04-15. Review status: criteria provided, single submitter. Criteria: LabCorp Variant Classification Summary - May 2015. Collection method: clinical testing. Allele origin: germline.
Comment: Variant summary: CRB1 c.3166G>T (p.Asp1056Tyr) results in a non-conservative amino acid change in the encoded protein sequence. Algorithms developed to predict the effect of missense changes on protein structure and function all suggest that this variant is likely to be disruptive. The variant was absent in 251078 control chromosomes. c.3166G>T has been observed in the homozygous and presumed compound heterozygous states in at least 3 individual(s) affected with clinical features and/or diagnosis of Retinal Dystrophy (example, Villanueva-Mendoza_2021, internal data). These data indicate that the variant is likely to be associated with disease. To our knowledge, no experimental evidence demonstrating an impact on protein function has been reported. The following publication has been ascertained in the context of this evaluation (PMID: 34828430). ClinVar contains an entry for this variant (Variation ID: 166959). Based on the evidence outlined above, the variant was classified as likely pathogenic.

3billion
Classification: Likely pathogenic for Retinitis pigmentosa 12. Last evaluated: 2024-09-28. Review status: criteria provided, single submitter. Criteria: ACMG Guidelines, 2015. Collection method: clinical testing. Allele origin: germline. Affected: yes.
Comment: The variant is not observed in the gnomAD v4.1.0 dataset. Predicted Consequence/Location: Missense variant In silico tool predictions suggest damaging effect of the variant on gene or gene product [REVEL: 0.82 (>=0.6, sensitivity 0.68 and specificity 0.92); 3Cnet: 0.65 (>=0.6, sensitivity 0.72 and precision 0.9)]. The same nucleotide change resulting in the same amino acid change has been previously reported as pathogenic/likely pathogenic with strong evidence (ClinVar ID: VCV000166959 /PMID: 34828430 /3billion dataset). Different missense changes at the same codon (p.Asp1056Asn, p.Asp1056His) have been reported to be associated with CRB1 related disorder (ClinVar ID: VCV002144426 /PMID: 33090715). Therefore, this variant is classified as Likely pathogenic according to the recommendation of ACMG/AMP guideline.

Labcorp Genetics (formerly Invitae), Labcorp
Classification: Pathogenic for Leber congenital amaurosis 8; Retinitis pigmentosa 12. Last evaluated: 2022-11-22. Review status: criteria provided, single submitter. Criteria: Invitae Variant Classification Sherloc (09022015). Collection method: clinical testing. Allele origin: germline.
Comment: This sequence change replaces aspartic acid, which is acidic and polar, with tyrosine, which is neutral and polar, at codon 1056 of the CRB1 protein (p.Asp1056Tyr). This variant is not present in population databases (gnomAD no frequency). This missense change has been observed in individual(s) with inherited retinal dystrophy (Invitae). In at least one individual the data is consistent with being in trans (on the opposite chromosome) from a pathogenic variant. ClinVar contains an entry for this variant (Variation ID: 166959). Algorithms developed to predict the effect of missense changes on protein structure and function (SIFT, PolyPhen-2, Align-GVGD) all suggest that this variant is likely to be disruptive. This variant disrupts the p.Asp1056 amino acid residue in CRB1. Other variant(s) that disrupt this residue have been determined to be pathogenic (Invitae). This suggests that this residue is clinically significant, and that variants that disrupt this residue are likely to be disease-causing. For these reasons, this variant has been classified as Pathogenic.

DBGen Ocular Genomics
Classification: Likely pathogenic for Retinitis pigmentosa 12. Last evaluated: 2021-05-21. Review status: criteria provided, single submitter. Criteria: ACMG Guidelines, 2015. Collection method: clinical testing. Allele origin: germline. Affected: yes. Observed: 1 variant allele.

Eurofins Ntd Llc (ga)
Classification: Uncertain significance. Last evaluated: 2014-01-22. Review status: criteria provided, single submitter. Criteria: EGL Classification Definitions 2015. Collection method: clinical testing. Allele origin: germline. Observed: 1 variant allele, 1 homozygote.

Literature cited by the submitters: PubMed 34828430 (cited by Women's Health and Genetics/Laboratory Corporation of America, LabCorp and 3billion); PubMed 33090715 (cited by 3billion).

NM_201253.3(CRB1):c.3166G>T (p.Asp1056Tyr)

Gene: CRB1 (crumbs cell polarity complex component 1; plus strand). Cytogenetic location: 1q31.3.
Variant type: single nucleotide variant.
Coding change: c.3166G>T on transcript NM_201253.3 (MANE Select); coding-DNA position 3166, G replaced by T.
Protein change: p.Asp1056Tyr; replaces aspartic acid 1056 with tyrosine.
Molecular consequence: missense variant. On other transcripts: non-coding transcript variant (2), intron variant (1).
Genome position (GRCh38, 1-based): chr1:197,435,029, G>T. VCF-style: chr1-197435029-G-T. GRCh37 (hg19) VCF-style: chr1-197404159-G-T.
Other names: c.2830G>T, p.Asp944Tyr (NM_001193640.2); c.3094G>T, p.Asp1032Tyr (NM_001257965.2); c.2129-571G>T (NM_001257966.2); short protein forms D1056Y, D1032Y, D944Y.
Identifiers: ClinVar variation 166959 (VCV000166959.15), dbSNP rs727503889, ClinGen allele CA233863.